The following is an entry in ClinVar:

NM_001040716.2(PC):c.52C>A (p.Arg18=)

Gene: PC (pyruvate carboxylase; minus strand). Cytogenetic location: 11q13.2.
Variant type: single nucleotide variant.
Coding change: c.52C>A on transcript NM_001040716.2 (MANE Select); coding-DNA position 52, C replaced by A.
Protein change: p.Arg18=; no amino-acid change (arginine 18 retained).
Molecular consequence: synonymous variant.
Genome position (GRCh38, 1-based): chr11:66,872,108, G>T on the plus strand (C>A on the coding strand, the complement: PC is on the minus strand). VCF-style: chr11-66872108-G-T. GRCh37 (hg19) VCF-style: chr11-66639579-G-T.
Other names: c.52C>A, p.Arg18= (NM_000920.4, NM_022172.3); c.52C>A (NM_001040716.1).
Identifiers: ClinVar variation 305635 (VCV000305635.39), dbSNP rs144583275, ClinGen allele CA6132314.
Genomic context (GRCh38, chr11:66,872,108, plus strand): 5'-TGATGGGCTTATACTCCAGGCGCCGGACATTTGGGGAGGCAGCGGGGGCGGTGGAGGTTC[G>T]GCGGATTCCCAGGAGCCTCAGGCCCCCATGGACTGTTCGGAACTTCAGCATCTAGGGAGG-3'
Protein context (NP_001035806.1, residues 8-28): HGGLRLLGIR[Arg18=]TSTAPAASPN

ClinVar aggregate classification (germline): Benign/Likely benign. Review status: criteria provided, multiple submitters, no conflicts (2 of 4 stars). 5 submissions from 5 submitters: Benign (2); Likely benign (2). 1 of the submissions does not count toward it. Last evaluated 2026-01-25.

Conditions:
PC-related disorder. Also called: PC-related condition.
Pyruvate carboxylase deficiency. Also called: LEIGH NECROTIZING ENCEPHALOPATHY DUE TO PYRUVATE CARBOXYLASE DEFICIENCY; LEIGH SYNDROME DUE TO PYRUVATE CARBOXYLASE DEFICIENCY; PC DEFICIENCY; ATAXIA WITH LACTIC ACIDOSIS II; Pyruvate Carboxylase Deficiency Disease. Identifiers: Orphanet 3008, MedGen C0034341, MONDO:0009949, OMIM 266150.

Allele frequency attached by ClinVar (database versions not stated): gnomAD 0.00084 and 0.00086; TOPMed 0.00091; ESP Exome Variant Server 0.00108; ExAC 0.00307.
gnomAD v4.1: 1,397 of 1,574,366 alleles (0.089%); highest among the groups gnomAD compares: Non-Finnish European, 0.032%; 13 homozygotes.

Submissions (5):

Labcorp Genetics (formerly Invitae), Labcorp
Classification: Benign for Pyruvate carboxylase deficiency. Last evaluated: 2026-01-25. Review status: criteria provided, single submitter. Criteria: Invitae Variant Classification Sherloc (09022015). Collection method: clinical testing. Allele origin: germline.

CeGaT Center for Human Genetics Tuebingen
Classification: Likely benign. Last evaluated: 2024-03-01. Review status: criteria provided, single submitter. Criteria: CeGaT Center For Human Genetics Tuebingen Variant Classification Criteria Version 2. Collection method: clinical testing. Allele origin: germline. Affected: yes. Observed: 1 variant allele.
Comment: PC: BP4, BP7

GeneDx
Classification: Benign. Last evaluated: 2018-11-02. Review status: criteria provided, single submitter. Criteria: GeneDx Variant Classification Process June 2021. Collection method: clinical testing. Allele origin: germline. Affected: yes.

Illumina Laboratory Services, Illumina
Classification: Likely benign for Pyruvate carboxylase deficiency. Last evaluated: 2018-01-13. Review status: criteria provided, single submitter. Criteria: ICSL Variant Classification Criteria 13 December 2019. Collection method: clinical testing. Allele origin: germline.
Comment: This variant was observed in the ICSL laboratory as part of a predisposition screen in an ostensibly healthy population. It had not been previously curated by ICSL or reported in the Human Gene Mutation Database (HGMD: prior to June 1st, 2018), and was therefore a candidate for classification through an automated scoring system. Utilizing variant allele frequency, disease prevalence and penetrance estimates, and inheritance mode, an automated score was calculated to assess if this variant is too frequent to cause the disease. Based on the score and internal cut-off values, a variant classified as likely benign is not then subjected to further curation. The score for this variant resulted in a classification of likely benign for this disease.

PreventionGenetics, part of Exact Sciences
Classification: Benign for PC-related condition. Last evaluated: 2021-07-21. Review status: no assertion criteria provided. Collection method: clinical testing. Allele origin: germline. Not counted in ClinVar's aggregate classification.
Comment: This variant is classified as benign based on ACMG/AMP sequence variant interpretation guidelines (Richards et al. 2015 PMID: 25741868, with internal and published modifications).